The following is an entry in ClinVar:

ClinVar aggregate classification (germline): Uncertain significance (1 of 4 stars; one submission).

Conditions:
Early Myoclonic Encephalopathy. Identifiers: MedGen C0270855.

Submission:

Labcorp Genetics (formerly Invitae), Labcorp
Classification: Uncertain significance for Early Myoclonic Encephalopathy. Last evaluated: 2021-04-01. Review status: criteria provided, single submitter. Criteria: Invitae Variant Classification Sherloc (09022015). Collection method: clinical testing. Allele origin: germline.
Comment: In summary, the available evidence is currently insufficient to determine the role of this variant in disease. Therefore, it has been classified as a Variant of Uncertain Significance. Algorithms developed to predict the effect of missense changes on protein structure and function are either unavailable or do not agree on the potential impact of this missense change (SIFT: "Deleterious"; PolyPhen-2: "Probably Damaging"; Align-GVGD: "Class C0"). This variant has not been reported in the literature in individuals with JMJD1C-related conditions. This variant is not present in population databases (ExAC no frequency). This sequence change replaces glutamine with histidine at codon 771 of the JMJD1C protein (p.Gln771His). The glutamine residue is moderately conserved and there is a small physicochemical difference between glutamine and histidine.

NM_032776.3(JMJD1C):c.2313A>C (p.Gln771His)

Gene: JMJD1C (jumonji domain containing 1C; minus strand). Cytogenetic location: 10q21.3.
Variant type: single nucleotide variant.
Coding change: c.2313A>C on transcript NM_032776.3 (MANE Select); coding-DNA position 2313, A replaced by C.
Protein change: p.Gln771His; replaces glutamine 771 with histidine.
Molecular consequence: missense variant. On other transcripts: non-coding transcript variant (1).
Genome position (GRCh38, 1-based): chr10:63,213,854, T>G on the plus strand (A>C on the coding strand, the complement: JMJD1C is on the minus strand). VCF-style: chr10-63213854-T-G. GRCh37 (hg19) VCF-style: chr10-64973614-T-G.
Other names: c.1767A>C, p.Gln589His (NM_001282948.2, NM_001318154.2); c.1449A>C, p.Gln483His (NM_001318153.2); c.2199A>C, p.Gln733His (NM_001322252.2); c.1656A>C, p.Gln552His (NM_001322254.2, NM_001322258.2); short protein forms Q483H, Q552H, Q589H, Q733H, Q771H.
Identifiers: ClinVar variation 1055907 (VCV001055907.9), dbSNP rs200925734, ClinGen allele CA377046241.